The following is an entry in ClinVar:

ClinVar aggregate classification (germline): Uncertain significance (0 of 4 stars; one submission).

Conditions:
Nephrotic syndrome. Identifiers: MedGen C0027726, MONDO:0005377, HP:0000100.

Submission:

Sydney Genome Diagnostics, Children's Hospital Westmead
Classification: Uncertain significance for Nephrotic syndrome. Last evaluated: 2018-03-16. Review status: no assertion criteria provided. Collection method: clinical testing. Allele origin: unknown. Affected: yes. Observed: 1 variant allele, 1 heterozygote.
Comment: The variant has not been reported in any population databases (i.e. gnomAD, ExAC, ESP or dbSNP). To our knowledge, this variant has not been previously reported in the literature or any disease specific databases. In silico analysis of pathogenicity (through Alamut Visual v2.8.1) predicts that this variant abolishes the splice donor site. However, there is insufficient evidence in the literature to conclude haploinsuffciency as a mechanism of disease in the TRPC6 gene. This variant is considered to be a variant of uncertain significance (VOUS) according to the ACMG guidelines.

NM_004621.6(TRPC6):c.2645-1G>A

Gene: TRPC6 (transient receptor potential cation channel subfamily C member 6; minus strand). Cytogenetic location: 11q22.1.
Variant type: single nucleotide variant.
Coding change: c.2645-1G>A on transcript NM_004621.6 (MANE Select); the canonical splice acceptor site of the intron before coding-DNA position 2645, G replaced by A.
Molecular consequence: splice acceptor variant.
Genome position (GRCh38, 1-based): chr11:101,453,107, C>T on the plus strand (G>A on the coding strand, the complement: TRPC6 is on the minus strand). VCF-style: chr11-101453107-C-T. GRCh37 (hg19) VCF-style: chr11-101323838-C-T.
Identifiers: ClinVar variation 988135 (VCV000988135.1), dbSNP rs1858801099, ClinGen allele CA382487089.